The following is an entry in ClinVar:

NM_173495.3(PTCHD1):c.1175C>T (p.Pro392Leu)

Gene: PTCHD1 (patched domain containing 1; plus strand). Cytogenetic location: Xp22.11.
Variant type: single nucleotide variant.
Coding change: c.1175C>T on transcript NM_173495.3 (MANE Select); coding-DNA position 1175, C replaced by T.
Protein change: p.Pro392Leu; replaces proline 392 with leucine.
Molecular consequence: missense variant.
Genome position (GRCh38, 1-based): chrX:23,392,693, C>T. VCF-style: chrX-23392693-C-T. GRCh37 (hg19) VCF-style: chrX-23410810-C-T.
Other names: short protein forms P392L.
Identifiers: ClinVar variation 3371393 (VCV003371393.1).

ClinVar aggregate classification (germline): Uncertain significance (1 of 4 stars; one submission).

Submission:

GeneDx
Classification: Uncertain significance. Last evaluated: 2024-03-26. Review status: criteria provided, single submitter. Criteria: GeneDx Variant Classification Process June 2021. Collection method: clinical testing. Allele origin: germline. Affected: yes.
Comment: Not observed at significant frequency in large population cohorts (gnomAD); In silico analysis supports that this missense variant has a deleterious effect on protein structure/function; Has not been previously published as pathogenic or benign to our knowledge